The following is an entry in ClinVar:

ClinVar aggregate classification (germline): Uncertain significance. Review status: criteria provided, multiple submitters, no conflicts (2 of 4 stars). 3 submissions from 3 submitters: Uncertain significance (3). Last evaluated 2026-10-15.

Conditions:
Inborn genetic diseases. Identifiers: MedGen C0950123, MeSH D030342.
Diffuse cerebral and cerebellar atrophy - intractable seizures - progressive microcephaly syndrome. Also called: Microcephaly, progressive, with seizures and cerebral and cerebellar atrophy. Identifiers: Orphanet 404437, MedGen C4014239, MONDO:0014335, OMIM 615760.

Allele frequency attached by ClinVar (database versions not stated): 1000 Genomes Project 0.00020; 1000 Genomes Project 30x 0.00031; ExAC 0.00005; gnomAD 0.00006; TOPMed 0.00006.
gnomAD v4.1: 60 of 1,614,168 alleles (0.0037%); highest among the groups gnomAD compares: East Asian, 0.056%; no homozygotes.

Submissions (3):

GeneDx
Classification: Uncertain significance. Last evaluated: 2026-10-15. Review status: criteria provided, single submitter. Criteria: GeneDx Variant Classification Process June 2021. Collection method: clinical testing. Allele origin: germline.
Comment: In silico analysis suggests that this missense variant does not alter protein structure/function; Has not been previously published as pathogenic or benign to our knowledge; This variant is associated with the following publications: (PMID: 25471517)

Ambry Genetics
Classification: Uncertain significance for Inborn genetic diseases. Last evaluated: 2025-04-30. Review status: criteria provided, single submitter. Criteria: Ambry Variant Classification Scheme 2023. Collection method: clinical testing. Allele origin: germline.

Labcorp Genetics (formerly Invitae), Labcorp
Classification: Uncertain significance for Diffuse cerebral and cerebellar atrophy - intractable seizures - progressive microcephaly syndrome. Last evaluated: 2022-09-06. Review status: criteria provided, single submitter. Criteria: Invitae Variant Classification Sherloc (09022015). Collection method: clinical testing. Allele origin: germline.
Comment: This sequence change replaces arginine, which is basic and polar, with tryptophan, which is neutral and slightly polar, at codon 201 of the QARS protein (p.Arg201Trp). This variant is present in population databases (rs200703354, gnomAD 0.07%). This variant has not been reported in the literature in individuals affected with QARS-related conditions. ClinVar contains an entry for this variant (Variation ID: 409240). Algorithms developed to predict the effect of missense changes on protein structure and function are either unavailable or do not agree on the potential impact of this missense change (SIFT: "Deleterious"; PolyPhen-2: "Benign"; Align-GVGD: "Class C0"). In summary, the available evidence is currently insufficient to determine the role of this variant in disease. Therefore, it has been classified as a Variant of Uncertain Significance.

NM_005051.3(QARS1):c.601C>T (p.Arg201Trp)

Gene: QARS1 (glutaminyl-tRNA synthetase 1; minus strand). Cytogenetic location: 3p21.31.
Variant type: single nucleotide variant.
Coding change: c.601C>T on transcript NM_005051.3 (MANE Select); coding-DNA position 601, C replaced by T.
Protein change: p.Arg201Trp; replaces arginine 201 with tryptophan.
Molecular consequence: missense variant. On other transcripts: non-coding transcript variant (1).
Genome position (GRCh38, 1-based): chr3:49,102,235, G>A on the plus strand (C>T on the coding strand, the complement: QARS1 is on the minus strand). VCF-style: chr3-49102235-G-A. GRCh37 (hg19) VCF-style: chr3-49139668-G-A.
Other names: c.568C>T, p.Arg190Trp (NM_001272073.2); c.601C>T (NM_005051.1); short protein forms R201W, R190W.
Identifiers: ClinVar variation 409240 (VCV000409240.12), dbSNP rs200703354, ClinGen allele CA2392091.